The following is an entry in ClinVar:

ClinVar aggregate classification (germline): Uncertain significance (1 of 4 stars; one submission).

Submission:

Ambry Genetics
Classification: Uncertain significance. Last evaluated: 2025-01-20. Review status: criteria provided, single submitter. Criteria: Ambry Variant Classification Scheme 2023. Collection method: clinical testing. Allele origin: germline.
Comment: The p.V614L variant (also known as c.1840G>C), located in coding exon 10 of the PALLD gene, results from a G to C substitution at nucleotide position 1840. The valine at codon 614 is replaced by leucine, an amino acid with highly similar properties. This amino acid position is conserved. In addition, this alteration is predicted to be deleterious by in silico analysis. Based on the available evidence, the clinical significance of this variant remains unclear.

NM_001166108.2(PALLD):c.3352G>C (p.Val1118Leu)

Genes: CBR4 (carbonyl reductase 4; minus strand), PALLD (palladin, cytoskeletal associated protein; plus strand). Cytogenetic location: 4q32.3.
Variant type: single nucleotide variant.
Coding change: c.3352G>C on transcript NM_001166108.2 (MANE Select); coding-DNA position 3352, G replaced by C.
Protein change: p.Val1118Leu; replaces valine 1118 with leucine.
Molecular consequence: missense variant.
Genome position (GRCh38, 1-based): chr4:168,925,072, G>C. VCF-style: chr4-168925072-G-C. GRCh37 (hg19) VCF-style: chr4-169846223-G-C.
Other names: c.2155G>C, p.Val719Leu (NM_001166109.2); c.1840G>C, p.Val614Leu (NM_001166110.2); c.1180G>C, p.Val394Leu (NM_001367567.1, NM_001367569.1); c.1231G>C, p.Val411Leu (NM_001367568.1, NM_001367570.1); c.3301G>C, p.Val1101Leu (NM_016081.4); short protein forms V394L, V411L, V1118L, V1101L, V614L, V719L.
Identifiers: ClinVar variation 3885315 (VCV003885315.1).